The following is an entry in ClinVar:

ClinVar aggregate classification (germline): Uncertain significance. Review status: reviewed by expert panel (3 of 4 stars). 3 submissions from 3 submitters: Uncertain significance (1). 2 of the submissions do not count toward it. Last evaluated 2025-08-01.

Conditions:
Malignant hyperthermia equivocal with halotane. Identifiers: MedGen CN221590.
Malignant hyperthermia, susceptibility to, 1 (MHS1). Also called: Anesthesia related hyperthermia; Malignant hyperpyrexia; Fulminating hyperpyrexia; Pharmacogenic myopathy; RYR1-Related Malignant Hyperthermia Susceptibility; Malignant hyperthermia suceptibility 1. Identifiers: Orphanet 423, MedGen C2930980, MONDO:0007783, OMIM 145600.

Allele frequency attached by ClinVar (database versions not stated): gnomAD exomes below 0.00001; gnomAD 0.00001; TOPMed 0.00001; ESP Exome Variant Server 0.00008.

Submissions (3):

ClinGen Malignant Hyperthermia Susceptibility Variant Curation Expert Panel, ClinGen
Classification: Uncertain significance for Malignant hyperthermia, susceptibility to, 1. Last evaluated: 2025-08-01. Review status: reviewed by expert panel. Criteria: ClinGen MHS ACMG Specifications V2. Collection method: curation. Allele origin: germline. Inheritance: Autosomal dominant inheritance. Study: ClinGen.
Comment: This pathogenicity assessment is relevant only for malignant hyperthermia susceptibility (MHS) inherited in an autosomal dominant pattern. Variants in RYR1 can also cause other myopathies inherited in an autosomal dominant pattern or in an autosomal recessive pattern. Some of these disorders may predispose individuals to malignant hyperthermia. RYR1 variants may also contribute to a malignant hyperthermia reaction in combination with other genetic and non-genetic factors and the clinician needs to consider such factors in making management decisions. This sequence variant predicts a substitution of Lysine with Arginine at codon 1467 of the RYR1 protein, p.(Lys1467Arg). This variant was not present in a large population database (gnomAD) at the time this variant was interpreted. To our knowledge, this variant has not been reported in individuals with a personal or family history of an MH episode. No functional studies were identified for this variant. This variant does not reside in a hotspot for pathogenic variants that contribute to MHS. A REVEL score <0.5 supports a benign status for this variant, BP4. This variant has been classified as a Variant of Unknown Significance. Criteria implemented: BP4.

All of Us Research Program, National Institutes of Health
Classification: Uncertain significance for Malignant hyperthermia, susceptibility to, 1. Last evaluated: 2023-07-22. Review status: criteria provided, single submitter. Criteria: ACMG Guidelines, 2015. Collection method: clinical testing. Allele origin: germline. Inheritance: Autosomal dominant inheritance. Observed: 1 variant allele, 1 heterozygote. Not counted in ClinVar's aggregate classification.
Comment: This missense variant replaces lysine with arginine at codon 1467 of the RYR1 protein. Computational prediction suggests that this variant may not impact protein structure and function (internally defined REVEL score threshold <= 0.5, PMID: 27666373). To our knowledge, functional studies have not been reported for this variant. This variant has been reported in one individual with chronically elevated levels of serum creatine kinase, who was found to show malignant hyperthermia susceptibility in contracture testing for halothane but not for caffeine (PMID: 20681998). This variant has not been identified in the general population by the Genome Aggregation Database (gnomAD). The available evidence is insufficient to determine the role of this variant in disease conclusively. Therefore, this variant is classified as a Variant of Uncertain Significance.

This study involves interpretation of variants in research participants for the purpose of population health screening. Participant phenotype was not available at the time of variant classification. Additional details can be found in publication PMID: 35346344, PMCID: PMC8962531

CSER _CC_NCGL, University of Washington
Classification: Uncertain significance for Malignant hyperthermia equivocal with halotane. Last evaluated: 2014-06-01. Review status: no assertion criteria provided. Collection method: research. Allele origin: germline. Inheritance: Autosomal dominant inheritance. Study: ESP 6500 variant annotation. Not counted in ClinVar's aggregate classification.
Comment: Variants classified for the Actionable exomic incidental findings in 6503 participants: challenges of variant classification manuscript

Literature cited by the submitters: PubMed 20681998 (cited by All of Us Research Program, National Institutes of Health).

NM_000540.3(RYR1):c.4400A>G (p.Lys1467Arg)

Gene: RYR1 (ryanodine receptor 1; plus strand). Cytogenetic location: 19q13.2.
Variant type: single nucleotide variant.
Coding change: c.4400A>G on transcript NM_000540.3 (MANE Select); coding-DNA position 4400, A replaced by G.
Protein change: p.Lys1467Arg; replaces lysine 1467 with arginine.
Molecular consequence: missense variant.
Genome position (GRCh38, 1-based): chr19:38,477,816, A>G. VCF-style: chr19-38477816-A-G. GRCh37 (hg19) VCF-style: chr19-38968456-A-G.
Other names: NM_000540.2(RYR1):c.4400A>G; c.4400A>G, p.Lys1467Arg (NM_001042723.2); short protein forms K1467R.
Identifiers: ClinVar variation 161371 (VCV000161371.6), dbSNP rs145573319, ClinGen allele CA024439.